The following is an entry in ClinVar:

ClinVar aggregate classification (germline): Uncertain significance (1 of 4 stars; one submission).

Submission:

Labcorp Genetics (formerly Invitae), Labcorp
Classification: Uncertain significance. Last evaluated: 2023-06-21. Review status: criteria provided, single submitter. Criteria: Invitae Variant Classification Sherloc (09022015). Collection method: clinical testing. Allele origin: germline.
Comment: This variant has not been reported in the literature in individuals affected with COCH-related conditions. This sequence change replaces glutamic acid, which is acidic and polar, with lysine, which is basic and polar, at codon 200 of the COCH protein (p.Glu200Lys). This variant is not present in population databases (gnomAD no frequency). Advanced modeling of protein sequence and biophysical properties (such as structural, functional, and spatial information, amino acid conservation, physicochemical variation, residue mobility, and thermodynamic stability) performed at Invitae indicates that this missense variant is not expected to disrupt COCH protein function. In summary, the available evidence is currently insufficient to determine the role of this variant in disease. Therefore, it has been classified as a Variant of Uncertain Significance.

NM_004086.3(COCH):c.598G>A (p.Glu200Lys)

Genes: COCH (cochlin; plus strand), COCH-AS1 (COCH antisense RNA 1; minus strand). Cytogenetic location: 14q12.
Variant type: single nucleotide variant.
Coding change: c.598G>A on transcript NM_004086.3 (MANE Select); coding-DNA position 598, G replaced by A.
Protein change: p.Glu200Lys; replaces glutamic acid 200 with lysine.
Molecular consequence: missense variant.
Genome position (GRCh38, 1-based): chr14:30,880,703, G>A. VCF-style: chr14-30880703-G-A. GRCh37 (hg19) VCF-style: chr14-31349909-G-A.
Other names: c.598G>A, p.Glu200Lys (NM_001135058.2); c.793G>A, p.Glu265Lys (NM_001347720.2); short protein forms E265K, E200K.
Identifiers: ClinVar variation 2738268 (VCV002738268.3), dbSNP rs2502724950, ClinGen allele CA389346142.